The following is an entry in ClinVar:

NM_001164508.2(NEB):c.12336_12337del (p.Val4112_Tyr4113insTer)

Gene: NEB (nebulin; minus strand). Cytogenetic location: 2q23.3.
Variant type: Microsatellite.
Coding change: c.12336_12337del on transcript NM_001164508.2 (MANE Select); coding-DNA positions 12336 to 12337, 2 bases deleted (GT; older notation c.12336_12337delGT).
Protein change: p.Val4112_Tyr4113insTer.
Molecular consequence: frameshift variant. On other transcripts: intron variant (1).
Genome position (GRCh38, 1-based): chr2:151,608,670-151,608,671, AC deleted on the plus strand (GT on the coding strand, the reverse complement: NEB is on the minus strand); deleting any 2 consecutive bases within chr2:151,608,670-151,608,675 gives the same sequence; the c. name uses the placement nearest the transcript's 3' end. VCF-style (leftmost placement, unchanged base first): chr2-151608669-TAC-T. GRCh37 (hg19) VCF-style: chr2-152465183-TAC-T.
Other names: c.12336_12337del, p.Val4112_Tyr4113insTer (NM_001164507.2, NM_001271208.2); c.11601+1134GT[2] (NM_004543.5).
Identifiers: ClinVar variation 4771083 (VCV004771083.1).

ClinVar aggregate classification (germline): Pathogenic (1 of 4 stars; one submission).

Conditions:
Nemaline myopathy 2 (NEM2). Also called: Nemaline myopathy 2, autosomal recessive. Identifiers: MedGen C1850569, MONDO:0009725, OMIM 256030.

Submission:

Labcorp Genetics (formerly Invitae), Labcorp
Classification: Pathogenic for Nemaline myopathy 2. Last evaluated: 2025-04-29. Review status: criteria provided, single submitter. Criteria: Invitae Variant Classification Sherloc (09022015). Collection method: clinical testing. Allele origin: germline.
Comment: This variant occurs in a region of NEB (Exons 82-105) consisting of three highly homologous 8-exon repeat units (exons 82-89, exons 90-97, exons 98-105). Sequence variants in this region can be detected, but this assay cannot determine which of the three repeat units is affected, and zygosity is often ambiguous. All variants in this region are reported relative to the exon 82-89 repeat. This sequence change creates a premature translational stop signal (p.Tyr4113*) in the NEB gene. It is expected to result in an absent or disrupted protein product. Loss-of-function variants in NEB are known to be pathogenic (PMID: 25205138). The frequency data for this variant in the population databases (gnomAD) is considered unreliable due to the presence of homologous sequence, such as pseudogenes or paralogs, in the genome. This variant has not been reported in the literature in individuals affected with NEB-related conditions. For these reasons, this variant has been classified as Pathogenic.

Literature cited by the submitters: PubMed 25205138.